The following is an entry in ClinVar:

NM_001035.3(RYR2):c.8926A>C (p.Lys2976Gln)

Gene: RYR2 (ryanodine receptor 2; plus strand). Cytogenetic location: 1q43.
Variant type: single nucleotide variant.
Coding change: c.8926A>C on transcript NM_001035.3 (MANE Select); coding-DNA position 8926, A replaced by C.
Protein change: p.Lys2976Gln; replaces lysine 2976 with glutamine.
Molecular consequence: missense variant.
Genome position (GRCh38, 1-based): chr1:237,680,486, A>C. VCF-style: chr1-237680486-A-C. GRCh37 (hg19) VCF-style: chr1-237843786-A-C.
Other names: short protein forms K2976Q.
Identifiers: ClinVar variation 2843276 (VCV002843276.3), dbSNP rs2547249240, ClinGen allele CA345404344.

ClinVar aggregate classification (germline): Uncertain significance (1 of 4 stars; one submission).

Conditions:
Catecholaminergic polymorphic ventricular tachycardia 1. Also called: VENTRICULAR TACHYCARDIA, CATECHOLAMINERGIC POLYMORPHIC, 1, WITH OR WITHOUT ATRIAL DYSFUNCTION AND/OR DILATED CARDIOMYOPATHY; VENTRICULAR TACHYCARDIA, STRESS-INDUCED POLYMORPHIC 1; RYR2-Related Catecholaminergic Polymorphic Ventricular Tachycardia. Identifiers: Orphanet 3286, MedGen C1631597, MONDO:0011484, OMIM 604772.

Submission:

Labcorp Genetics (formerly Invitae), Labcorp
Classification: Uncertain significance for Catecholaminergic polymorphic ventricular tachycardia 1. Last evaluated: 2023-03-17. Review status: criteria provided, single submitter. Criteria: Invitae Variant Classification Sherloc (09022015). Collection method: clinical testing. Allele origin: germline.
Comment: Advanced modeling of protein sequence and biophysical properties (such as structural, functional, and spatial information, amino acid conservation, physicochemical variation, residue mobility, and thermodynamic stability) has been performed at Invitae for this missense variant, however the output from this modeling did not meet the statistical confidence thresholds required to predict the impact of this variant on RYR2 protein function. This variant has not been reported in the literature in individuals affected with RYR2-related conditions. This variant is not present in population databases (gnomAD no frequency). This sequence change replaces lysine, which is basic and polar, with glutamine, which is neutral and polar, at codon 2976 of the RYR2 protein (p.Lys2976Gln). In summary, the available evidence is currently insufficient to determine the role of this variant in disease. Therefore, it has been classified as a Variant of Uncertain Significance.